The following is an entry in ClinVar:

ClinVar aggregate classification (germline): Conflicting classifications of pathogenicity. Review status: criteria provided, conflicting classifications (1 of 4 stars). 2 submissions from 2 submitters: Uncertain significance (1); Likely benign (1). Last evaluated 2025-07-14.

Conditions:
Inborn genetic diseases. Identifiers: MedGen C0950123, MeSH D030342.

Allele frequency attached by ClinVar (database versions not stated): ExAC 0.00003; gnomAD exomes 0.00004; gnomAD 0.00001.

Submissions (2):

GeneDx
Classification: Uncertain significance. Last evaluated: 2025-07-14. Review status: criteria provided, single submitter. Criteria: GeneDx Variant Classification Process June 2021. Collection method: clinical testing. Allele origin: germline. Affected: yes.
Comment: In silico analysis supports that this missense variant has a deleterious effect on protein structure/function; Has not been previously published as pathogenic or benign to our knowledge

Ambry Genetics
Classification: Likely benign for Inborn genetic diseases. Last evaluated: 2022-12-28. Review status: criteria provided, single submitter. Criteria: Ambry Variant Classification Scheme 2023. Collection method: clinical testing. Allele origin: germline.

NM_017721.5(CC2D1A):c.503G>A (p.Arg168Gln)

Gene: CC2D1A (coiled-coil and C2 domain containing 1A; plus strand). Cytogenetic location: 19p13.12.
Variant type: single nucleotide variant.
Coding change: c.503G>A on transcript NM_017721.5 (MANE Select); coding-DNA position 503, G replaced by A.
Protein change: p.Arg168Gln; replaces arginine 168 with glutamine.
Molecular consequence: missense variant.
Genome position (GRCh38, 1-based): chr19:13,913,292, G>A. VCF-style: chr19-13913292-G-A. GRCh37 (hg19) VCF-style: chr19-14024105-G-A.
Other names: c.503G>A, p.Arg168Gln (NM_001411138.1); short protein forms R168Q.
Identifiers: ClinVar variation 2372506 (VCV002372506.3), dbSNP rs559696209, ClinGen allele CA9244305.
Genomic context (GRCh38, chr19:13,913,292, plus strand): 5'-AGACAGCAATTGAAAGCGCCAGACAAGCTGGAGACAGCGCCAAGATGCGGCGCTACGATC[G>A]GGGGCTTAAAGTAAGTGGGCAGAGGGCAGGGTACAGGGACCCCCCGCCAACCCCGATGCC-3'
Protein context (NP_060191.3, residues 158-178): GDSAKMRRYD[Arg168Gln]GLKTLENLLA